The following is an entry in ClinVar:

ClinVar aggregate classification (germline): Uncertain significance (1 of 4 stars; one submission).

Conditions:
Tuberous sclerosis 1 (TSC1). Identifiers: Orphanet 805, MedGen C1854465, MONDO:0008612, OMIM 191100.

Submission:

Labcorp Genetics (formerly Invitae), Labcorp
Classification: Uncertain significance for Tuberous sclerosis 1. Last evaluated: 2023-09-23. Review status: criteria provided, single submitter. Criteria: Invitae Variant Classification Sherloc (09022015). Collection method: clinical testing. Allele origin: germline.
Comment: This sequence change replaces arginine, which is basic and polar, with lysine, which is basic and polar, at codon 442 of the TSC1 protein (p.Arg442Lys). This variant is not present in population databases (gnomAD no frequency). This variant has not been reported in the literature in individuals affected with TSC1-related conditions. Advanced modeling of protein sequence and biophysical properties (such as structural, functional, and spatial information, amino acid conservation, physicochemical variation, residue mobility, and thermodynamic stability) performed at Invitae indicates that this missense variant is not expected to disrupt TSC1 protein function. In summary, the available evidence is currently insufficient to determine the role of this variant in disease. Therefore, it has been classified as a Variant of Uncertain Significance.

NM_000368.5(TSC1):c.1325G>A (p.Arg442Lys)

Gene: TSC1 (TSC complex subunit 1; minus strand). Cytogenetic location: 9q34.13.
Variant type: single nucleotide variant.
Coding change: c.1325G>A on transcript NM_000368.5 (MANE Select); coding-DNA position 1325, G replaced by A.
Protein change: p.Arg442Lys; replaces arginine 442 with lysine.
Molecular consequence: missense variant. On other transcripts: non-coding transcript variant (5).
Genome position (GRCh38, 1-based): chr9:132,907,309, C>T on the plus strand (G>A on the coding strand, the complement: TSC1 is on the minus strand). VCF-style: chr9-132907309-C-T. GRCh37 (hg19) VCF-style: chr9-135782696-C-T.
Other names: c.1322G>A, p.Arg441Lys (NM_001162426.2, NM_001406608.1, NM_001406609.1 and 6 more transcripts); c.1172G>A, p.Arg391Lys (NM_001162427.2, NM_001406610.1); c.962G>A, p.Arg321Lys (NM_001362177.2, NM_001406614.1, NM_001406615.1 and 5 more transcripts); c.1325G>A, p.Arg442Lys (NM_001406592.1, NM_001406593.1, NM_001406594.1 and 7 more transcripts); c.1169G>A, p.Arg390Lys (NM_001406611.1, NM_001406612.1, NM_001406613.1); c.959G>A, p.Arg320Lys (NM_001406625.1, NM_001406620.1, NM_001406621.1 and 2 more transcripts); c.374G>A, p.Arg125Lys (NM_001406626.1); c.371G>A, p.Arg124Lys (NM_001406627.1, NM_001406628.1); and 1 more; short protein forms R391K, R441K, R91K, R320K, R124K, R321K, R390K, R125K.
Identifiers: ClinVar variation 2894464 (VCV002894464.3), dbSNP rs2131878992, ClinGen allele CA375366090.